The following is an entry in ClinVar:

NM_001099922.3(ALG13):c.654T>G (p.Asn218Lys)

Gene: ALG13 (ALG13 UDP-N-acetylglucosaminyltransferase subunit; plus strand). Cytogenetic location: Xq23.
Variant type: single nucleotide variant.
Coding change: c.654T>G on transcript NM_001099922.3 (MANE Select); coding-DNA position 654, T replaced by G.
Protein change: p.Asn218Lys; replaces asparagine 218 with lysine.
Molecular consequence: missense variant. On other transcripts: non-coding transcript variant (1).
Genome position (GRCh38, 1-based): chrX:111,708,297, T>G. VCF-style: chrX-111708297-T-G. GRCh37 (hg19) VCF-style: chrX-110951525-T-G.
Other names: c.342T>G, p.Asn114Lys (NM_001257230.2, NM_001257234.2, NM_001257237.2 and 1 more transcripts); c.420T>G, p.Asn140Lys (NM_001257231.2); c.654T>G, p.Asn218Lys (NM_001324292.2); short protein forms N114K, N140K, N218K.
Identifiers: ClinVar variation 1878659 (VCV001878659.1), dbSNP rs2525565083, ClinGen allele CA414249777.

ClinVar aggregate classification (germline): Uncertain significance (1 of 4 stars; one submission).

Conditions:
Developmental and epileptic encephalopathy, 36 (DEE36). Also called: ALG13-CDG; Epileptic encephalopathy, early infantile, 36; Congenital disorder of glycosylation, type Is. Identifiers: Orphanet 324422, MedGen C4317295, MONDO:0010472, OMIM 300884.

Submission:

Neuberg Centre For Genomic Medicine, NCGM
Classification: Uncertain significance for Developmental and epileptic encephalopathy, 36. Review status: criteria provided, single submitter. Criteria: ACMG Guidelines, 2015. Collection method: clinical testing. Allele origin: germline. Affected: yes.
Comment: The missensevariant p.N218K in ALG13 (NM_001099922.2) has not been reported previously as a pathogenic variant nor as a benign variant, to our knowledge. The p.N218K variant is novel (not in any individuals) in gnomAD Exomes and is novel (not in any individuals) in 1000 Genomes. There is a moderate physicochemical difference between asparagine and lysine. Software predictions are damaging (SIFT and Polyphen) but the reference codon is not evolutionarily conserved. For these reasons, this variant has been classified asUncertain Significance.